The following is an entry in ClinVar:

ClinVar aggregate classification (germline): Pathogenic (1 of 4 stars; one submission).

Conditions:
Kindler syndrome (KNDLRS). Also called: Kindler's syndrome; BULLOUS ACROKERATOTIC POIKILODERMA OF KINDLER AND WEARY; Hereditary acrokeratotic poikiloderma of Weary; Poikiloderma of Kindler; Congenital bullous poikiloderma; POIKILODERMA, CONGENITAL, WITH BULLAE, WEARY TYPE. Identifiers: Orphanet 2908, Orphanet 306539, MedGen C0406557, MONDO:0008260, OMIM 173650.

Submission:

Department of Medical Genetics, College of Basic Medicine, Army Medical University
Classification: Pathogenic for Kindler syndrome. Last evaluated: 2021-06-01. Review status: criteria provided, single submitter. Criteria: ACMG Guidelines, 2015. Collection method: clinical testing. Allele origin: germline, unknown. Affected: yes and no. Observed: 8 heterozygotes, 1 homozygote.
Comment: Repeated facial blisters and blood blisters after trauma, poikiloderma in face and hands, skin atrophy, diffuse erythema and hyperkeratosis on hands and feet, severe webbing of the fingers/toes.

NM_017671.5(FERMT1):c.994C>T (p.Gln332Ter)

Gene: FERMT1 (FERM domain containing kindlin 1; minus strand). Cytogenetic location: 20p12.3.
Variant type: single nucleotide variant.
Coding change: c.994C>T on transcript NM_017671.5 (MANE Select); coding-DNA position 994, C replaced by T.
Protein change: p.Gln332Ter; replaces glutamine 332 with a stop codon.
Molecular consequence: nonsense.
Genome position (GRCh38, 1-based): chr20:6,096,997, G>A on the plus strand (C>T on the coding strand, the complement: FERMT1 is on the minus strand). VCF-style: chr20-6096997-G-A. GRCh37 (hg19) VCF-style: chr20-6077644-G-A.
Other names: short protein forms Q332*.
Identifiers: ClinVar variation 1172545 (VCV001172545.2), dbSNP rs2123118335, ClinGen allele CA408182653.